The following is an entry in ClinVar:

ClinVar aggregate classification (germline): Uncertain significance (1 of 4 stars; one submission).

Submission:

Women's Health and Genetics/Laboratory Corporation of America, LabCorp
Classification: Uncertain significance. Last evaluated: 2025-03-07. Review status: criteria provided, single submitter. Criteria: LabCorp Variant Classification Summary - May 2015. Collection method: clinical testing. Allele origin: germline.
Comment: Variant summary: AKT3 c.920_936del17 (p.Cys307SerfsX9) results in a premature termination codon, predicted to cause a truncation of the encoded protein or absence of the protein due to nonsense mediated decay, however current evidence is not sufficient to establish loss of function as a mechanism for disease. The variant was absent in 248354 control chromosomes (gnomAD). The available data on variant occurrences in the general population are insufficient to allow any conclusion about variant significance. To our knowledge, no occurrence of c.920_936del17 in individuals affected with Megalencephaly-Polymicrogyria-Polydactyly-Hydrocephalus Syndrome 2 and no experimental evidence demonstrating its impact on protein function have been reported. No submitters have cited clinical-significance assessments for this variant to ClinVar. Based on the evidence outlined above, the variant was classified as uncertain significance.

NM_005465.7(AKT3):c.920_936del (p.Cys307fs)

Gene: AKT3 (AKT serine/threonine kinase 3; minus strand). Cytogenetic location: 1q44.
Variant type: Deletion.
Coding change: c.920_936del on transcript NM_005465.7 (MANE Select); coding-DNA positions 920 to 936, 17 bases deleted (GTGGCACTCCAGAATAT).
Protein change: p.Cys307fs; shifts the reading frame from cysteine 307.
Molecular consequence: frameshift variant.
Genome position (GRCh38, 1-based): chr1:243,563,732-243,563,748, ATATTCTGGAGTGCCAC deleted on the plus strand (GTGGCACTCCAGAATAT on the coding strand, the reverse complement: AKT3 is on the minus strand); deleting any 17 consecutive bases within chr1:243,563,732-243,563,749 gives the same sequence; the c. name uses the placement nearest the transcript's 3' end. VCF-style (leftmost placement, unchanged base first): chr1-243563731-GATATTCTGGAGTGCCAC-G. GRCh37 (hg19) VCF-style: chr1-243727033-GATATTCTGGAGTGCCAC-G.
Other names: c.920_936del, p.Cys307fs (NM_001206729.2, NM_001370074.1, NM_181690.2); c.920_936del17 (NM_005465.7); short protein forms C307fs.
Identifiers: ClinVar variation 3895774 (VCV003895774.1).